The following is an entry in ClinVar:

ClinVar aggregate classification (germline): Benign. Review status: criteria provided, single submitter (1 of 4 stars). 2 submissions from 2 submitters: Benign (1). 1 of the submissions does not count toward it. Last evaluated 2022-03-24.

Conditions:
UNC13A-related disorder. Also called: UNC13A-related condition.

Allele frequency attached by ClinVar (database versions not stated): ESP Exome Variant Server 0.04560; TOPMed 0.04855; ExAC 0.01838; 1000 Genomes Project 30x 0.04653; 1000 Genomes Project 0.04513; gnomAD exomes 0.00439; gnomAD 0.04359.
gnomAD v4.1: 13,144 of 1,558,416 alleles (0.84%); highest among the groups gnomAD compares: African/African-American, 15%; 871 homozygotes.

Submissions (2):

Mayo Clinic Laboratories, Mayo Clinic
Classification: Benign. Last evaluated: 2022-03-24. Review status: criteria provided, single submitter. Criteria: ACMG Guidelines, 2015. Collection method: clinical testing. Allele origin: germline. Observed: 4 variant alleles.

PreventionGenetics, part of Exact Sciences
Classification: Benign for UNC13A-related condition. Last evaluated: 2019-02-27. Review status: no assertion criteria provided. Collection method: clinical testing. Allele origin: germline. Not counted in ClinVar's aggregate classification.
Comment: This variant is classified as benign based on ACMG/AMP sequence variant interpretation guidelines (Richards et al. 2015 PMID: 25741868, with internal and published modifications).

NM_001080421.3(UNC13A):c.3573T>C (p.Asp1191=)

Gene: UNC13A (unc-13 homolog A; minus strand). Cytogenetic location: 19p13.11.
Variant type: single nucleotide variant.
Coding change: c.3573T>C on transcript NM_001080421.3 (MANE Select); coding-DNA position 3573, T replaced by C.
Protein change: p.Asp1191=; no amino-acid change (aspartic acid 1191 retained).
Molecular consequence: synonymous variant.
Genome position (GRCh38, 1-based): chr19:17,630,241, A>G on the plus strand (T>C on the coding strand, the complement: UNC13A is on the minus strand). VCF-style: chr19-17630241-A-G. GRCh37 (hg19) VCF-style: chr19-17741050-A-G.
Other names: p.Asp1191=; c.3567T>C, p.Asp1189= (NM_001387021.1, NM_001387022.1, NM_001387023.1).
Identifiers: ClinVar variation 3056924 (VCV003056924.3), dbSNP rs60048755, ClinGen allele CA9297954.
Genomic context (GRCh38, chr19:17,630,241, plus strand): 5'-AGGGTCGGGACACTCGAGTTTCTTGATGATTTCAAAGCTCTGGTTGAGTTGGGAGAAAAC[A>G]TCCACCACGGAGCAGGAGAATAGGGCATGCTCTGAGGTCTGCTGGAACTGCAGGGGGAAG-3'
Protein context (NP_001073890.2, residues 1181-1201): EHALFSCSVV[Asp1191=]VFSQLNQSFE